The following is an entry in ClinVar:

NM_004994.3(MMP9):c.886G>A (p.Gly296Ser)

Gene: MMP9 (matrix metallopeptidase 9; plus strand). Cytogenetic location: 20q13.12.
Variant type: single nucleotide variant.
Coding change: c.886G>A on transcript NM_004994.3 (MANE Select); coding-DNA position 886, G replaced by A.
Protein change: p.Gly296Ser; replaces glycine 296 with serine.
Molecular consequence: missense variant.
Genome position (GRCh38, 1-based): chr20:46,011,636, G>A. VCF-style: chr20-46011636-G-A. GRCh37 (hg19) VCF-style: chr20-44640275-G-A.
Other names: short protein forms G296S.
Identifiers: ClinVar variation 198179 (VCV000198179.22), dbSNP rs144098289, ClinGen allele CA246693.

ClinVar aggregate classification (germline): Conflicting classifications of pathogenicity. Review status: criteria provided, conflicting classifications (1 of 4 stars). 4 submissions from 4 submitters: Uncertain significance (2); Benign (1); Likely benign (1). Last evaluated 2025-12-11.

Conditions:
Metaphyseal anadysplasia 2 (MANDP2). Also called: Metaphyseal anadysplasia 2, autosomal recessive. Identifiers: Orphanet 1040, MedGen C2751322, MONDO:0013113, OMIM 613073.

Allele frequency attached by ClinVar (database versions not stated): 1000 Genomes Project 0.00100; 1000 Genomes Project 30x 0.00125; ExAC 0.00171; gnomAD 0.00181 and 0.00191; gnomAD exomes 0.00181 and 0.00223; ESP Exome Variant Server 0.00200; TOPMed 0.00211.
gnomAD v4.1: 3,540 of 1,613,814 alleles (0.22%); highest among the groups gnomAD compares: Admixed American, 0.35%; 8 homozygotes.

Submissions (6):

Labcorp Genetics (formerly Invitae), Labcorp
Classification: Likely benign. Last evaluated: 2025-12-11. Review status: criteria provided, single submitter. Criteria: Invitae Variant Classification Sherloc (09022015). Collection method: clinical testing. Allele origin: germline.

GeneDx
Classification: Benign. Last evaluated: 2020-08-11. Review status: criteria provided, single submitter. Criteria: GeneDx Variant Classification Process June 2021. Collection method: clinical testing. Allele origin: germline. Affected: yes.
Comment: This variant is associated with the following publications: (PMID: 28387797)

Eurofins Ntd Llc (ga)
Classification: Uncertain significance. Last evaluated: 2018-01-23. Review status: criteria provided, single submitter. Criteria: EGL Classification Definitions 2015. Collection method: clinical testing. Allele origin: germline. Observed: 3 variant alleles, 3 heterozygotes.

Illumina Laboratory Services, Illumina
Classification: Uncertain significance for Metaphyseal anadysplasia 2. Last evaluated: 2018-01-12. Review status: criteria provided, single submitter. Criteria: ICSL Variant Classification Criteria 13 December 2019. Collection method: clinical testing. Allele origin: germline.

Dr. Peter K. Rogan Lab, Western University
No classification provided (evidence only). Condition: Ovarian serous cystadenocarcinoma. Review status: no classification provided. Collection method: in vitro. Allele origin: not applicable. Functional consequence: retained intron. Not counted in ClinVar's aggregate classification.

Dr. Peter K. Rogan Lab, Western University
No classification provided (evidence only). Condition: Gastric cancer. Review status: no classification provided. Collection method: in vitro. Allele origin: not applicable. Functional consequence: retained intron. Not counted in ClinVar's aggregate classification.